The following is an entry in ClinVar:

ClinVar aggregate classification (germline): Likely benign (1 of 4 stars; one submission).

Conditions:
GANAB-related disorder. Also called: GANAB-related condition.

gnomAD v4.1: 8 of 1,614,032 alleles (0.0005%); highest among the groups gnomAD compares: Admixed American, 0.013%; no homozygotes.

Submission:

PreventionGenetics, part of Exact Sciences
Classification: Likely benign for GANAB-related condition. Last evaluated: 2025-08-29. Review status: criteria provided, single submitter. Criteria: ACMG Guidelines, 2015. Collection method: clinical testing. Allele origin: germline.
Comment: This variant is classified as likely benign based on ACMG/AMP sequence variant interpretation guidelines (Richards et al. 2015 PMID: 25741868, with internal and published modifications).

NM_198334.3(GANAB):c.963C>T (p.Thr321=)

Gene: GANAB (glucosidase II alpha subunit; minus strand). Cytogenetic location: 11q12.3.
Variant type: single nucleotide variant.
Coding change: c.963C>T on transcript NM_198334.3 (MANE Select); coding-DNA position 963, C replaced by T.
Protein change: p.Thr321=; no amino-acid change (threonine 321 retained).
Molecular consequence: synonymous variant.
Genome position (GRCh38, 1-based): chr11:62,632,598, G>A on the plus strand (C>T on the coding strand, the complement: GANAB is on the minus strand). VCF-style: chr11-62632598-G-A. GRCh37 (hg19) VCF-style: chr11-62400070-G-A.
Other names: c.687C>T, p.Thr229= (NM_001278192.2); c.621C>T, p.Thr207= (NM_001278193.2); c.672C>T, p.Thr224= (NM_001278194.2, NM_001329222.2, NM_001329223.2); c.240C>T, p.Thr80= (NM_001329224.2, NM_001329225.2); c.1029C>T, p.Thr343= (NM_198335.4).
Identifiers: ClinVar variation 5002266 (VCV005002266.1).
Genomic context (GRCh38, chr11:62,632,598, plus strand): 5'-CCTTTTTCCCCGTGCCTGTGCTCTCACCTTCCCGGCAGTGTTGGAAGATATATCAACCCA[G>A]GTCTCTGCAGCATTGAGCCAGAAGATGCCCAAGTCGCGATGAGGGTTGTGTGCCAGGAGC-3'
Protein context (NP_938148.1, residues 311-331): LGIFWLNAAE[Thr321=]WVDISSNTAG